The following is an entry in ClinVar:

ClinVar aggregate classification (germline): Uncertain significance. Review status: criteria provided, multiple submitters, no conflicts (2 of 4 stars). 3 submissions from 3 submitters: Uncertain significance (3). Last evaluated 2023-06-23.

Conditions:
Inborn genetic diseases. Identifiers: MedGen C0950123, MeSH D030342.

Allele frequency attached by ClinVar (database versions not stated): ExAC 0.00001; gnomAD exomes 0.00002; ESP Exome Variant Server 0.00008; TOPMed 0.00012.
gnomAD v4.1: 47 of 1,613,984 alleles (0.0029%); highest among the groups gnomAD compares: African/African-American, 0.052%; no homozygotes.

Submissions (3):

Ambry Genetics
Classification: Uncertain significance for Inborn genetic diseases. Last evaluated: 2023-06-23. Review status: criteria provided, single submitter. Criteria: Ambry Variant Classification Scheme 2023. Collection method: clinical testing. Allele origin: germline.

Labcorp Genetics (formerly Invitae), Labcorp
Classification: Uncertain significance. Last evaluated: 2022-03-13. Review status: criteria provided, single submitter. Criteria: Invitae Variant Classification Sherloc (09022015). Collection method: clinical testing. Allele origin: germline.
Comment: This sequence change replaces valine, which is neutral and non-polar, with alanine, which is neutral and non-polar, at codon 398 of the ADGRG1 protein (p.Val398Ala). This variant is present in population databases (rs143257214, gnomAD 0.02%). This variant has not been reported in the literature in individuals affected with ADGRG1-related conditions. ClinVar contains an entry for this variant (Variation ID: 193887). Advanced modeling of protein sequence and biophysical properties (such as structural, functional, and spatial information, amino acid conservation, physicochemical variation, residue mobility, and thermodynamic stability) performed at Invitae indicates that this missense variant is not expected to disrupt ADGRG1 protein function. In summary, the available evidence is currently insufficient to determine the role of this variant in disease. Therefore, it has been classified as a Variant of Uncertain Significance.

Eurofins Ntd Llc (ga)
Classification: Uncertain significance. Last evaluated: 2015-03-02. Review status: criteria provided, single submitter. Criteria: EGL Classification Definitions 2015. Collection method: clinical testing. Allele origin: germline. Observed: 1 variant allele, 1 heterozygote.

NM_201525.4(ADGRG1):c.1193T>C (p.Val398Ala)

Gene: ADGRG1 (adhesion G protein-coupled receptor G1; plus strand). Cytogenetic location: 16q21.
Variant type: single nucleotide variant.
Coding change: c.1193T>C on transcript NM_201525.4 (MANE Select); coding-DNA position 1193, T replaced by C.
Protein change: p.Val398Ala; replaces valine 398 with alanine.
Molecular consequence: missense variant.
Genome position (GRCh38, 1-based): chr16:57,657,398, T>C. VCF-style: chr16-57657398-T-C. GRCh37 (hg19) VCF-style: chr16-57691310-T-C.
Other names: c.1193T>C, p.Val398Ala (NM_001145770.3, NM_001145771.3, NM_001145772.3 and 14 more transcripts); c.1208T>C, p.Val403Ala (NM_001145773.3, NM_001370433.1); c.683T>C, p.Val228Ala (NM_001290142.2); c.668T>C, p.Val223Ala (NM_001290143.2, NM_001290144.2, NM_001370451.1 and 2 more transcripts); c.1190T>C, p.Val397Ala (NM_001370434.1, NM_001370441.1); c.1037T>C, p.Val346Ala (NM_001370442.1); c.1193T>C (NM_005682.5); short protein forms V398A, V397A, V403A, V223A, V228A, V346A.
Identifiers: ClinVar variation 193887 (VCV000193887.8), dbSNP rs143257214, ClinGen allele CA239586.